The following is an entry in ClinVar:

ClinVar aggregate classification (germline): Likely benign (0 of 4 stars; one submission).

Conditions:
PHIP-related disorder. Also called: PHIP-related condition; PHIP-related disorders.

Submission:

PreventionGenetics, part of Exact Sciences
Classification: Likely benign for PHIP-related condition. Last evaluated: 2023-07-03. Review status: no assertion criteria provided. Collection method: clinical testing. Allele origin: germline.
Comment: This variant is classified as likely benign based on ACMG/AMP sequence variant interpretation guidelines (Richards et al. 2015 PMID: 25741868, with internal and published modifications).

NM_017934.7(PHIP):c.5046C>T (p.Ile1682=)

Genes: IRAK1BP1 (interleukin 1 receptor associated kinase 1 binding protein 1; plus strand), PHIP (PHIP subunit of CUL4-Ring ligase complex; minus strand). Cytogenetic location: 6q14.1.
Variant type: single nucleotide variant.
Coding change: c.5046C>T on transcript NM_017934.7 (MANE Select); coding-DNA position 5046, C replaced by T.
Protein change: p.Ile1682=; no amino-acid change (isoleucine 1682 retained).
Molecular consequence: synonymous variant.
Genome position (GRCh38, 1-based): chr6:78,941,113, G>A on the plus strand (C>T on the coding strand, the complement: PHIP is on the minus strand). VCF-style: chr6-78941113-G-A. GRCh37 (hg19) VCF-style: chr6-79650830-G-A.
Identifiers: ClinVar variation 3356157 (VCV003356157.1).
Genomic context (GRCh38, chr6:78,941,113, plus strand): 5'-CTTTACATTATTAGTTTCAGAAAGAAAATTGCATGTTGAAGAAGGAAGTACTTCATCTCT[G>A]ATGGGATGCACATTATTTTGCTCTAAATCTTCTGGCTTTGCATACTGTAGCTTTTTGGGC-3'
Protein context (NP_060404.4, residues 1672-1692): EDLEQNNVHP[Ile1682=]RDEVLPSSTC